The following is an entry in ClinVar:

ClinVar aggregate classification (germline): Uncertain significance (1 of 4 stars; one submission).

Allele frequency attached by ClinVar (database versions not stated): gnomAD exomes below 0.00001; TOPMed 0.00001.
gnomAD v4.1: 1 of 1,613,742 alleles (0.000062%); highest among the groups gnomAD compares: African/African-American, 0.0013%; no homozygotes.

Submission:

Labcorp Genetics (formerly Invitae), Labcorp
Classification: Uncertain significance. Last evaluated: 2022-09-13. Review status: criteria provided, single submitter. Criteria: Invitae Variant Classification Sherloc (09022015). Collection method: clinical testing. Allele origin: germline.
Comment: This sequence change replaces arginine, which is basic and polar, with serine, which is neutral and polar, at codon 89 of the INTU protein (p.Arg89Ser). In summary, the available evidence is currently insufficient to determine the role of this variant in disease. Therefore, it has been classified as a Variant of Uncertain Significance. Advanced modeling of protein sequence and biophysical properties (such as structural, functional, and spatial information, amino acid conservation, physicochemical variation, residue mobility, and thermodynamic stability) has been performed at Invitae for this missense variant, however the output from this modeling did not meet the statistical confidence thresholds required to predict the impact of this variant on INTU protein function. ClinVar contains an entry for this variant (Variation ID: 1393254). This variant has not been reported in the literature in individuals affected with INTU-related conditions. This variant is not present in population databases (gnomAD no frequency).

NM_015693.4(INTU):c.267G>C (p.Arg89Ser)

Gene: INTU (inturned planar cell polarity protein; plus strand). Cytogenetic location: 4q28.1.
Variant type: single nucleotide variant.
Coding change: c.267G>C on transcript NM_015693.4 (MANE Select); coding-DNA position 267, G replaced by C.
Protein change: p.Arg89Ser; replaces arginine 89 with serine.
Molecular consequence: missense variant.
Genome position (GRCh38, 1-based): chr4:127,643,641, G>C. VCF-style: chr4-127643641-G-C. GRCh37 (hg19) VCF-style: chr4-128564796-G-C.
Other names: short protein forms R89S.
Identifiers: ClinVar variation 1393254 (VCV001393254.6), dbSNP rs1727431574, ClinGen allele CA358133173.
Genomic context (GRCh38, chr4:127,643,641, plus strand): 5'-ATTGAGTGAGGATGAAGAAGAAAGCCTCCTTCCTGAGACACCAACTGTGAACCATGTCAG[G>C]TTCAGTGAAAATGAGATTATCATTGAAGATGACTACAAAGAAAGAAAAAAGTATGAACCC-3'
Protein context (NP_056508.2, residues 79-99): LPETPTVNHV[Arg89Ser]FSENEIIIED